The following is an entry in ClinVar:

NM_001127511.3(APC):c.84_85insTGCCGCC (p.Gly29fs)

Gene: APC (APC regulator of Wnt signaling pathway; plus strand). Cytogenetic location: 5q22.2.
Variant type: Insertion.
Coding change: c.84_85insTGCCGCC on transcript NM_001127511.3; coding-DNA positions 84 to 85, TGCCGCC inserted.
Protein change: p.Gly29fs; shifts the reading frame from glycine 29.
Molecular consequence: frameshift variant. On other transcripts: 5 prime UTR variant (8), non-coding transcript variant (1), intron variant (5).
Genome position: GRCh38 VCF-style: chr5-112707800-G-GCTGCCGC. GRCh37 (hg19) VCF-style: chr5-112043497-G-GCTGCCGC.
Other names: c.-100_-99insTGCCGCC (NM_001354895.2, NM_001407447.1, NM_001407452.1 and 3 more transcripts); c.84_85insTGCCGCC, p.Gly29fs (NM_001354897.2, NM_001354902.2, NM_001407446.1); c.-1135_-1134insTGCCGCC (NM_001407470.1, NM_001407472.1); c.-19+152_-19+153insTGCCGCC (NM_001407448.1, NM_001407450.1, NM_001407457.1 and 1 more transcripts); c.-43+152_-43+153insTGCCGCC (NM_001407453.1); short protein forms G29fs.
Identifiers: ClinVar variation 3663481 (VCV003663481.2).

ClinVar aggregate classification (germline): Uncertain significance (1 of 4 stars; one submission).

Conditions:
Familial adenomatous polyposis 1 (FAP1). Also called: FAMILIAL ADENOMATOUS POLYPOSIS 1, ATTENUATED; POLYPOSIS, ADENOMATOUS INTESTINAL. Identifiers: MedGen C2713442, MONDO:0021056, OMIM 175100. Disease mechanism: loss of function.

Submission:

Labcorp Genetics (formerly Invitae), Labcorp
Classification: Uncertain significance for Familial adenomatous polyposis 1. Last evaluated: 2024-08-27. Review status: criteria provided, single submitter. Criteria: Invitae Variant Classification Sherloc (09022015). Collection method: clinical testing. Allele origin: germline.
Comment: This variant occurs in a non-coding region of the APC gene. It does not change the encoded amino acid sequence of the APC protein. This variant is not present in population databases (gnomAD no frequency). This variant has not been reported in the literature in individuals affected with APC-related conditions. Experimental studies and prediction algorithms are not available or were not evaluated, and the functional significance of this variant is currently unknown. In summary, the available evidence is currently insufficient to determine the role of this variant in disease. Therefore, it has been classified as a Variant of Uncertain Significance.